The following is an entry in ClinVar:

NM_000138.5(FBN1):c.1378dup (p.Cys460fs)

Gene: FBN1 (fibrillin 1; minus strand). Cytogenetic location: 15q21.1.
Variant type: Duplication.
Coding change: c.1378dup on transcript NM_000138.5 (MANE Select); coding-DNA position 1378, one base duplicated (T; older notation c.1378dupT).
Protein change: p.Cys460fs; shifts the reading frame from cysteine 460.
Molecular consequence: frameshift variant.
Genome position (GRCh38, 1-based): chr15:48,515,477, A duplicated on the plus strand (T on the coding strand, the reverse complement: FBN1 is on the minus strand). VCF-style (leftmost placement, unchanged base first): chr15-48515476-C-CA. GRCh37 (hg19) VCF-style: chr15-48807673-C-CA.
Other names: c.1378dup, p.Cys460fs (NM_001406716.1); c.1378dupT (NM_000138.4); short protein forms C460fs.
Identifiers: ClinVar variation 4841333 (VCV004841333.1).

ClinVar aggregate classification (germline): Pathogenic (1 of 4 stars; one submission).

Conditions:
Familial thoracic aortic aneurysm and aortic dissection (TAAD). Also called: Thoracic aortic aneurysms and dissections. Identifiers: Orphanet 91387, MedGen C4707243, MONDO:0019625.

Submission:

Ambry Genetics
Classification: Pathogenic for Familial thoracic aortic aneurysm and aortic dissection. Last evaluated: 2026-01-05. Review status: criteria provided, single submitter. Criteria: Ambry Variant Classification Scheme 2023. Collection method: clinical testing. Allele origin: germline.
Comment: The c.1378dupT pathogenic mutation, located in coding exon 11 of the FBN1 gene, results from a duplication of T at nucleotide position 1378, causing a translational frameshift with a predicted alternate stop codon (p.C460Lfs*16). This variant was reported in individual(s) with features consistent with Marfan syndrome (Biggin A et al. Hum Mutat, 2004 Jan;23:99). This variant is considered to be rare based on population cohorts in the Genome Aggregation Database (gnomAD). This alteration is expected to result in loss of function by premature protein truncation or nonsense-mediated mRNA decay. As such, this alteration is interpreted as a disease-causing mutation.

Literature cited by the submitters: PubMed 14695540.